The following is an entry in ClinVar:

NM_001822.7(CHN1):c.661T>C (p.Tyr221His)

Gene: CHN1 (chimerin 1; minus strand). Cytogenetic location: 2q31.1.
Variant type: single nucleotide variant.
Coding change: c.661T>C on transcript NM_001822.7 (MANE Select); coding-DNA position 661, T replaced by C.
Protein change: p.Tyr221His; replaces tyrosine 221 with histidine.
Molecular consequence: missense variant. On other transcripts: non-coding transcript variant (1).
Genome position (GRCh38, 1-based): chr2:174,824,485, A>G on the plus strand (T>C on the coding strand, the complement: CHN1 is on the minus strand). VCF-style: chr2-174824485-A-G. GRCh37 (hg19) VCF-style: chr2-175689213-A-G.
Other names: c.583T>C, p.Tyr195His (NM_001025201.4); c.286T>C, p.Tyr96His (NM_001206602.2); c.661T>C, p.Tyr221His (NM_001371513.1); c.712T>C, p.Tyr238His (NM_001371514.1); short protein forms Y221H, Y195H, Y96H, Y238H.
Identifiers: ClinVar variation 559835 (VCV000559835.3), dbSNP rs1553475005, ClinGen allele CA349347847.
Genomic context (GRCh38, chr2:174,824,485, plus strand): 5'-AGCTCTTACCTGCACATTTCACTCCCTGAGCAATGAGACCCCACATAAAGTTGGCACAGT[A>G]TTCACACCAGTGTGGCCCTCTGAATGTATGCACCTGAAAAAAAAAAAGAGGGGCAAAGTC-3'
Protein context (NP_001813.1, residues 211-231): HTFRGPHWCE[Tyr221His]CANFMWGLIA

ClinVar aggregate classification (germline): Pathogenic. Review status: criteria provided, single submitter (1 of 4 stars). 2 submissions from 1 submitter: Pathogenic (1). 1 of the submissions does not count toward it. Last evaluated 2017-04-10.

Conditions:
Duane retraction syndrome 2. Identifiers: Orphanet 233, MedGen C0751083, MONDO:0011444, OMIM 604356.

Submissions (2):

Laboratoire de Génétique Moléculaire, CHU Bordeaux
Classification: Pathogenic for Duane retraction syndrome 2. Last evaluated: 2017-04-10. Review status: criteria provided, single submitter. Criteria: ACMG Guidelines, 2015. Collection method: clinical testing. Allele origin: paternal. Inheritance: Autosomal dominant inheritance. Affected: yes. Observed: 1 heterozygote.
Comment: The p.(Tyr221His) variant in CHN1 has never been reported, and was absent frome large population studies. It is considered as pathogenic according to ACMG classification. Additionally, segregation analysis is consistent with the phenotype.

Laboratoire de Génétique Moléculaire, CHU Bordeaux
Classification: Likely pathogenic. Review status: flagged submission. Criteria: ACMG Guidelines, 2015. Collection method: clinical testing. Allele origin: germline. Affected: yes. Not counted in ClinVar's aggregate classification.
ClinVar note: Reason: This record appears to be redundant with a more recent record from the same submitter.
ClinVar note: Notes: SCV001468925 appears to be redundant with SCV000803654.